The following is an entry in ClinVar:

ClinVar aggregate classification (germline): Uncertain significance (1 of 4 stars; one submission).

Conditions:
Hereditary cancer-predisposing syndrome. Also called: Neoplastic Syndromes, Hereditary; Tumor predisposition; Hereditary Cancer Syndrome; Hereditary neoplastic syndrome. Identifiers: Orphanet 140162, MedGen C0027672, MeSH D009386, MONDO:0015356.

Submission:

Color Diagnostics, LLC DBA Color Health
Classification: Uncertain significance for Hereditary cancer-predisposing syndrome. Last evaluated: 2023-12-05. Review status: criteria provided, single submitter. Criteria: ACMG Guidelines, 2015. Collection method: clinical testing. Allele origin: germline.
Comment: This missense variant replaces lysine with threonine at codon 373 of the CHEK2 protein. Computational prediction suggests that this variant may not impact protein structure and function (internally defined REVEL score threshold <= 0.5, PMID: 27666373). To our knowledge, functional studies have not been reported for this variant. This variant has not been reported in individuals affected with CHEK2-related disorders in the literature. This variant has not been identified in the general population by the Genome Aggregation Database (gnomAD). The available evidence is insufficient to determine the role of this variant in disease conclusively. Therefore, this variant is classified as a Variant of Uncertain Significance.

NM_007194.4(CHEK2):c.1118A>C (p.Lys373Thr)

Gene: CHEK2 (checkpoint kinase 2; minus strand). Cytogenetic location: 22q12.1.
Variant type: single nucleotide variant.
Coding change: c.1118A>C on transcript NM_007194.4 (MANE Select); coding-DNA position 1118, A replaced by C.
Protein change: p.Lys373Thr; replaces lysine 373 with threonine.
Molecular consequence: missense variant.
Genome position (GRCh38, 1-based): chr22:28,695,851, T>G on the plus strand (A>C on the coding strand, the complement: CHEK2 is on the minus strand). VCF-style: chr22-28695851-T-G. GRCh37 (hg19) VCF-style: chr22-29091839-T-G.
Other names: c.1247A>C, p.Lys416Thr (NM_001005735.3); c.455A>C, p.Lys152Thr (NM_001257387.3); c.917A>C, p.Lys306Thr (NM_001349956.3); c.1031A>C, p.Lys344Thr (NM_145862.3); short protein forms K344T, K152T, K306T, K373T, K416T.
Identifiers: ClinVar variation 925672 (VCV000925672.3), dbSNP rs786202446, ClinGen allele CA411097080.
Genomic context (GRCh38, chr22:28,695,851, plus strand): 5'-GGCGCCAAGTAGGTGGGGGTTCCACATAAGGTTCTCATGAGAGAGGTCTCTCCCAAAATC[T>G]TGGAGTGCCCAAAATCAGTAATCTAAAATTCAGTACAAAAGGGAATAATGTTGAACTTGC-3'
Protein context (NP_009125.1, residues 363-383): LIKITDFGHS[Lys373Thr]ILGETSLMRT